The following is an entry in ClinVar:

ClinVar aggregate classification (germline): Uncertain significance (1 of 4 stars; one submission).

Allele frequency attached by ClinVar (database versions not stated): ExAC 0.00001; gnomAD 0.00001.
gnomAD v4.1: 39 of 1,614,082 alleles (0.0024%); highest among the groups gnomAD compares: Middle Eastern, 0.016%; no homozygotes.

Submission:

Labcorp Genetics (formerly Invitae), Labcorp
Classification: Uncertain significance. Last evaluated: 2025-06-10. Review status: criteria provided, single submitter. Criteria: Invitae Variant Classification Sherloc (09022015). Collection method: clinical testing. Allele origin: germline.
Comment: This sequence change replaces aspartic acid, which is acidic and polar, with tyrosine, which is neutral and polar, at codon 376 of the LEMD3 protein (p.Asp376Tyr). This variant is present in population databases (rs758148747, gnomAD 0.007%). This variant has not been reported in the literature in individuals affected with LEMD3-related conditions. ClinVar contains an entry for this variant (Variation ID: 1936927). Invitae Evidence Modeling of protein sequence and biophysical properties (such as structural, functional, and spatial information, amino acid conservation, physicochemical variation, residue mobility, and thermodynamic stability) indicates that this missense variant is not expected to disrupt LEMD3 protein function with a negative predictive value of 80%. In summary, the available evidence is currently insufficient to determine the role of this variant in disease. Therefore, it has been classified as a Variant of Uncertain Significance.

NM_014319.5(LEMD3):c.1126G>T (p.Asp376Tyr)

Genes: LEMD3 (LEM domain containing 3; plus strand), LOC130008225 (ATAC-STARR-seq lymphoblastoid active region 6608; plus strand). Cytogenetic location: 12q14.3.
Variant type: single nucleotide variant.
Coding change: c.1126G>T on transcript NM_014319.5 (MANE Select); coding-DNA position 1126, G replaced by T.
Protein change: p.Asp376Tyr; replaces aspartic acid 376 with tyrosine.
Molecular consequence: missense variant.
Genome position (GRCh38, 1-based): chr12:65,170,722, G>T. VCF-style: chr12-65170722-G-T. GRCh37 (hg19) VCF-style: chr12-65564502-G-T.
Other names: c.1126G>T, p.Asp376Tyr (NM_001167614.2); short protein forms D376Y.
Identifiers: ClinVar variation 1936927 (VCV001936927.5), dbSNP rs758148747, ClinGen allele CA6670853.